The following is an entry in ClinVar:

NM_000256.3(MYBPC3):c.373G>A (p.Ala125Thr)

Gene: MYBPC3 (myosin binding protein C3; minus strand). Cytogenetic location: 11p11.2.
Variant type: single nucleotide variant.
Coding change: c.373G>A on transcript NM_000256.3 (MANE Select); coding-DNA position 373, G replaced by A.
Protein change: p.Ala125Thr; replaces alanine 125 with threonine.
Molecular consequence: missense variant.
Genome position (GRCh38, 1-based): chr11:47,350,535, C>T on the plus strand (G>A on the coding strand, the complement: MYBPC3 is on the minus strand). VCF-style: chr11-47350535-C-T. GRCh37 (hg19) VCF-style: chr11-47372086-C-T.
Other names: c.373G>A, p.Ala125Thr (LRG_386t1); short protein forms A125T.
Identifiers: ClinVar variation 454331 (VCV000454331.8), dbSNP rs370958401, ClinGen allele CA054822.

ClinVar aggregate classification (germline): Conflicting classifications of pathogenicity. Review status: criteria provided, conflicting classifications (1 of 4 stars). 2 submissions from 2 submitters: Uncertain significance (1); Likely benign (1). Last evaluated 2025-07-15.

Conditions:
Cardiomyopathy (CMYO). Also called: Cardiomyopathies. Identifiers: Orphanet 167848, MedGen C0878544, MONDO:0004994, HP:0001638. Inheritance: Various modes of inheritance.
Hypertrophic cardiomyopathy. Also called: HYPERTROPHIC MYOCARDIOPATHY. Identifiers: Orphanet 217569, MedGen C0007194, MeSH D002312, MONDO:0005045, HP:0001639.

Allele frequency attached by ClinVar (database versions not stated): ExAC below 0.00001.
gnomAD v4.1: 5 of 1,555,954 alleles (0.00032%); highest among the groups gnomAD compares: South Asian, 0.0048%; no homozygotes.

Submissions (2):

Color Diagnostics, LLC DBA Color Health
Classification: Likely benign for Cardiomyopathy. Last evaluated: 2025-07-15. Review status: criteria provided, single submitter. Criteria: ACMG Guidelines, 2015. Collection method: clinical testing. Allele origin: germline.

Labcorp Genetics (formerly Invitae), Labcorp
Classification: Uncertain significance for Hypertrophic cardiomyopathy. Last evaluated: 2025-05-12. Review status: criteria provided, single submitter. Criteria: Invitae Variant Classification Sherloc (09022015). Collection method: clinical testing. Allele origin: germline.
Comment: This sequence change replaces alanine, which is neutral and non-polar, with threonine, which is neutral and polar, at codon 125 of the MYBPC3 protein (p.Ala125Thr). The frequency data for this variant in the population databases is considered unreliable, as metrics indicate poor data quality at this position in the gnomAD database. This variant has not been reported in the literature in individuals affected with MYBPC3-related conditions. ClinVar contains an entry for this variant (Variation ID: 454331). An algorithm developed to predict the effect of missense changes on protein structure and function outputs the following: PolyPhen-2: "Benign". The threonine amino acid residue is found in multiple mammalian species, which suggests that this missense change does not adversely affect protein function. In summary, the available evidence is currently insufficient to determine the role of this variant in disease. Therefore, it has been classified as a Variant of Uncertain Significance.